The following is an entry in ClinVar:

ClinVar aggregate classification (germline): Uncertain significance (1 of 4 stars; one submission).

Allele frequency attached by ClinVar (database versions not stated): TOPMed 0.00014; ExAC 0.00015; ESP Exome Variant Server 0.00015; gnomAD 0.00015; 1000 Genomes Project 30x 0.00016; 1000 Genomes Project 0.00020; gnomAD exomes 0.00029.
gnomAD v4.1: 434 of 1,614,014 alleles (0.027%); highest among the groups gnomAD compares: Non-Finnish European, 0.033%; 1 homozygote.

Submission:

Labcorp Genetics (formerly Invitae), Labcorp
Classification: Uncertain significance. Last evaluated: 2021-09-17. Review status: criteria provided, single submitter. Criteria: Invitae Variant Classification Sherloc (09022015). Collection method: clinical testing. Allele origin: germline.
Comment: This sequence change replaces arginine with glutamine at codon 890 of the CELSR2 protein (p.Arg890Gln). The arginine residue is highly conserved and there is a small physicochemical difference between arginine and glutamine. This variant is present in population databases (rs138048818, ExAC 0.02%). This variant has not been reported in the literature in individuals affected with CELSR2-related conditions. Algorithms developed to predict the effect of missense changes on protein structure and function output the following: SIFT: "Deleterious"; PolyPhen-2: "Benign"; Align-GVGD: "Class C35". The glutamine amino acid residue is found in multiple mammalian species, which suggests that this missense change does not adversely affect protein function. Algorithms developed to predict the effect of sequence changes on RNA splicing suggest that this variant may create or strengthen a splice site. In summary, the available evidence is currently insufficient to determine the role of this variant in disease. Therefore, it has been classified as a Variant of Uncertain Significance.

NM_001408.3(CELSR2):c.2669G>A (p.Arg890Gln)

Gene: CELSR2 (cadherin EGF LAG seven-pass G-type receptor 2; plus strand). Cytogenetic location: 1p13.3.
Variant type: single nucleotide variant.
Coding change: c.2669G>A on transcript NM_001408.3 (MANE Select); coding-DNA position 2669, G replaced by A.
Protein change: p.Arg890Gln; replaces arginine 890 with glutamine.
Molecular consequence: missense variant.
Genome position (GRCh38, 1-based): chr1:109,252,748, G>A. VCF-style: chr1-109252748-G-A. GRCh37 (hg19) VCF-style: chr1-109795370-G-A.
Other names: short protein forms R890Q.
Identifiers: ClinVar variation 1940785 (VCV001940785.2), dbSNP rs138048818, ClinGen allele CA986807.